The following is an entry in ClinVar:

NM_001039591.3(USP9X):c.654+9G>T

Gene: USP9X (ubiquitin specific peptidase 9 X-linked; plus strand). Cytogenetic location: Xp11.4.
Variant type: single nucleotide variant.
Coding change: c.654+9G>T on transcript NM_001039591.3 (MANE Select); 9 bases into the intron after coding-DNA position 654, G replaced by T.
Molecular consequence: intron variant.
Genome position (GRCh38, 1-based): chrX:41,137,031, G>T. VCF-style: chrX-41137031-G-T. GRCh37 (hg19) VCF-style: chrX-40996284-G-T.
Other names: c.654+9G>T (NM_001410748.1, NM_001410749.1, NM_001039590.3).
Identifiers: ClinVar variation 2581369 (VCV002581369.1), dbSNP rs2519118547, ClinGen allele CA2582342900.
Genomic context (GRCh38, chrX:41,137,031, plus strand): 5'-GTTGCCTGAAGATGAACTCTTTGCTCGTTCTCCAGATCCTCGATCACCAAAGGTGTGTTG[G>T]TTTGTTATTTTCAAAATTAAATAATACAATTGTTTTGTTCTGACACAGAATCTTCAGTGA-3'

ClinVar aggregate classification (germline): Likely benign (1 of 4 stars; one submission).

Allele frequency attached by ClinVar (database versions not stated): gnomAD exomes below 0.00001.
gnomAD v4.1: 1 of 1,199,675 alleles (0.000083%); highest among the groups gnomAD compares: Non-Finnish European, 0.00011%; no homozygotes.

Submission:

Women's Health and Genetics/Laboratory Corporation of America, LabCorp
Classification: Likely benign. Last evaluated: 2023-08-25. Review status: criteria provided, single submitter. Criteria: LabCorp Variant Classification Summary - May 2015. Collection method: clinical testing. Allele origin: germline.
Comment: Variant summary: USP9X c.654+9G>T alters a non-conserved nucleotide located at a position not widely known to affect splicing. Consensus agreement among computation tools predict no significant impact on normal splicing. However, these predictions have yet to be confirmed by functional studies. The variant was absent in 174596 control chromosomes (gnomAD). The available data on variant occurrences in the general population are insufficient to allow any conclusion about variant significance. To our knowledge, no occurrence of c.654+9G>T in individuals affected with Mental Retardation, X-Linked 99 and no experimental evidence demonstrating its impact on protein function have been reported. No submitters have cited clinical-significance assessments for this variant to ClinVar after 2014. Based on the evidence outlined above, the variant was classified as likely benign.